The following is an entry in ClinVar:

NM_017837.4(PIGV):c.111T>C (p.His37=)

Gene: PIGV (phosphatidylinositol glycan anchor biosynthesis class V; plus strand). Cytogenetic location: 1p36.11.
Variant type: single nucleotide variant.
Coding change: c.111T>C on transcript NM_017837.4 (MANE Select); coding-DNA position 111, T replaced by C.
Protein change: p.His37=; no amino-acid change (histidine 37 retained).
Molecular consequence: synonymous variant. On other transcripts: 5 prime UTR variant (1), non-coding transcript variant (2), intron variant (1).
Genome position (GRCh38, 1-based): chr1:26,794,145, T>C. VCF-style: chr1-26794145-T-C. GRCh37 (hg19) VCF-style: chr1-27120636-T-C.
Other names: c.111T>C, p.His37= (NM_001202554.2, NM_001374478.1, NM_001374480.1 and 4 more transcripts); c.-271T>C (NM_001374483.1); c.78+3252T>C (NM_001374486.1).
Identifiers: ClinVar variation 390654 (VCV000390654.3), dbSNP rs1057523852, ClinGen allele CA16603649.

ClinVar aggregate classification (germline): Likely benign. Review status: criteria provided, multiple submitters, no conflicts (2 of 4 stars). 2 submissions from 2 submitters: Likely benign (2). Last evaluated 2025-09-02.

Submissions (2):

Labcorp Genetics (formerly Invitae), Labcorp
Classification: Likely benign. Last evaluated: 2025-09-02. Review status: criteria provided, single submitter. Criteria: Invitae Variant Classification Sherloc (09022015). Collection method: clinical testing. Allele origin: germline.

GeneDx
Classification: Likely benign. Last evaluated: 2016-11-03. Review status: criteria provided, single submitter. Criteria: GeneDx Variant Classification (06012015). Collection method: clinical testing. Allele origin: germline. Affected: yes.
Comment: This variant is considered likely benign or benign based on one or more of the following criteria: it is a conservative change, it occurs at a poorly conserved position in the protein, it is predicted to be benign by multiple in silico algorithms, and/or has population frequency not consistent with disease.